The following is an entry in ClinVar:

ClinVar aggregate classification (germline): Likely benign (1 of 4 stars; one submission).

Submission:

Laboratory for Molecular Medicine, Mass General Brigham Personalized Medicine
Classification: Likely benign. Last evaluated: 2017-02-07. Review status: criteria provided, single submitter. Criteria: LMM Criteria. Collection method: clinical testing. Allele origin: germline. Observed: 1 variant allele.
Comment: c.1330-7C>T in intron 12 of MYH14: This variant is not expected to have clinical significance because a C>T/T>C change at this position does not diverge from th e splice consensus sequence and is therefore unlikely to impact splicing.

NM_001145809.2(MYH14):c.1330-7C>T

Gene: MYH14 (myosin heavy chain 14; plus strand). Cytogenetic location: 19q13.33.
Variant type: single nucleotide variant.
Coding change: c.1330-7C>T on transcript NM_001145809.2 (MANE Select); 7 bases into the intron before coding-DNA position 1330, C replaced by T.
Molecular consequence: intron variant.
Genome position (GRCh38, 1-based): chr19:50,248,980, C>T. VCF-style: chr19-50248980-C-T. GRCh37 (hg19) VCF-style: chr19-50752237-C-T.
Other names: c.1306-7C>T (NM_024729.4); c.1330-7C>T (NM_001077186.2).
Identifiers: ClinVar variation 517244 (VCV000517244.4), dbSNP rs1455864505, ClinGen allele CA633684471.
Genomic context (GRCh38, chr19:50,248,980, plus strand): 5'-TCACCCCCGACGTCTTTCAGTCTGCTGATGTGCAGGCTGCGCCCTTACCATGAGCCCTGT[C>T]CCACAGGCTGACTTCGCGCTGGAGGCCCTGGCCAAGGCCACCTACGAGCGCCTCTTCCGC-3'